The following is an entry in ClinVar:

ClinVar aggregate classification (germline): Uncertain significance (1 of 4 stars; one submission).

Submission:

GeneDx
Classification: Uncertain significance. Last evaluated: 2024-08-01. Review status: criteria provided, single submitter. Criteria: GeneDx Variant Classification Process June 2021. Collection method: clinical testing. Allele origin: germline.
Comment: Not observed at significant frequency in large population cohorts (gnomAD); Intronic +5 splice site variant in a gene for which loss of function is a known mechanism of disease, and both splice predictors and evolutionary conservation support a deleterious effect, although in the absence of functional evidence the actual effect of this sequence change is unknown.; Has not been previously published as pathogenic or benign to our knowledge

NM_002941.4(ROBO1):c.499+5G>A

Gene: ROBO1 (roundabout guidance receptor 1; minus strand). Cytogenetic location: 3p12.3.
Variant type: single nucleotide variant.
Coding change: c.499+5G>A on transcript NM_002941.4 (MANE Select); 5 bases into the intron after coding-DNA position 499, G replaced by A.
Molecular consequence: intron variant.
Genome position (GRCh38, 1-based): chr3:78,938,596, C>T on the plus strand (G>A on the coding strand, the complement: ROBO1 is on the minus strand). VCF-style: chr3-78938596-C-T. GRCh37 (hg19) VCF-style: chr3-78987746-C-T.
Other names: c.382+5G>A (NM_001145845.2, NM_133631.4).
Identifiers: ClinVar variation 2500418 (VCV002500418.2), dbSNP rs752801673, ClinGen allele CA2580070445.
Genomic context (GRCh38, chr3:78,938,596, plus strand): 5'-TGATCAAACAAATGACGCCACTCTGCCACTCCCTCTGCCAAACACAGAGCGCCCAGTTTA[C>T]TTACTGGCTACTTCCAGCGATGCATTGTGGCTCACAGCCTCTCCAAGGTAATTCCTTGCT-3'